The following is an entry in ClinVar:

ClinVar aggregate classification (germline): Uncertain significance (1 of 4 stars; one submission).

Conditions:
Chédiak-Higashi syndrome (CHS). Also called: Chediak-Higashi Syndrome. Identifiers: Orphanet 167, MedGen C0007965, MONDO:0008963, OMIM 214500.

Allele frequency attached by ClinVar (database versions not stated): ExAC 0.00001; gnomAD 0.00001; gnomAD exomes 0.00002.
gnomAD v4.1: 33 of 1,613,912 alleles (0.002%); highest among the groups gnomAD compares: African/African-American, 0.0027%; no homozygotes.

Submission:

Labcorp Genetics (formerly Invitae), Labcorp
Classification: Uncertain significance for Chédiak-Higashi syndrome. Last evaluated: 2022-10-17. Review status: criteria provided, single submitter. Criteria: Invitae Variant Classification Sherloc (09022015). Collection method: clinical testing. Allele origin: germline.
Comment: In summary, the available evidence is currently insufficient to determine the role of this variant in disease. Therefore, it has been classified as a Variant of Uncertain Significance. Advanced modeling of protein sequence and biophysical properties (such as structural, functional, and spatial information, amino acid conservation, physicochemical variation, residue mobility, and thermodynamic stability) performed at Invitae indicates that this missense variant is not expected to disrupt LYST protein function. ClinVar contains an entry for this variant (Variation ID: 1482925). This variant has not been reported in the literature in individuals affected with LYST-related conditions. This variant is present in population databases (rs749457634, gnomAD 0.007%). This sequence change replaces serine, which is neutral and polar, with asparagine, which is neutral and polar, at codon 910 of the LYST protein (p.Ser910Asn).

NM_000081.4(LYST):c.2729G>A (p.Ser910Asn)

Gene: LYST (lysosomal trafficking regulator; minus strand). Cytogenetic location: 1q42.3.
Variant type: single nucleotide variant.
Coding change: c.2729G>A on transcript NM_000081.4 (MANE Select); coding-DNA position 2729, G replaced by A.
Protein change: p.Ser910Asn; replaces serine 910 with asparagine.
Molecular consequence: missense variant.
Genome position (GRCh38, 1-based): chr1:235,806,407, C>T on the plus strand (G>A on the coding strand, the complement: LYST is on the minus strand). VCF-style: chr1-235806407-C-T. GRCh37 (hg19) VCF-style: chr1-235969707-C-T.
Other names: c.2729G>A, p.Ser910Asn (NM_001301365.1); short protein forms S910N.
Identifiers: ClinVar variation 1482925 (VCV001482925.6), dbSNP rs749457634, ClinGen allele CA1467225.